The following is an entry in ClinVar:

NM_014363.6(SACS):c.2713A>T (p.Lys905Ter)

Gene: SACS (sacsin molecular chaperone; minus strand). Cytogenetic location: 13q12.12.
Variant type: single nucleotide variant.
Coding change: c.2713A>T on transcript NM_014363.6 (MANE Select); coding-DNA position 2713, A replaced by T.
Protein change: p.Lys905Ter; replaces lysine 905 with a stop codon.
Molecular consequence: nonsense.
Genome position (GRCh38, 1-based): chr13:23,341,163, T>A on the plus strand (A>T on the coding strand, the complement: SACS is on the minus strand). VCF-style: chr13-23341163-T-A. GRCh37 (hg19) VCF-style: chr13-23915302-T-A.
Other names: c.2272A>T, p.Lys758Ter (NM_001278055.2); c.2713A>T (NM_014363.4); short protein forms K905*, K758*.
Identifiers: ClinVar variation 641094 (VCV000641094.11), dbSNP rs1593133714, ClinGen allele CA387538085.

ClinVar aggregate classification (germline): Pathogenic/Likely pathogenic. Review status: criteria provided, multiple submitters, no conflicts (2 of 4 stars). 2 submissions from 2 submitters: Pathogenic (1); Likely pathogenic (1). Last evaluated 2022-10-04.

Conditions:
Spastic paraplegia. Identifiers: MedGen C0037772, HP:0001258.

Submissions (2):

Athena Diagnostics
Classification: Likely pathogenic. Last evaluated: 2022-10-04. Review status: criteria provided, single submitter. Criteria: Athena Diagnostics Criteria. Collection method: clinical testing. Allele origin: unknown.
Comment: This variant is expected to result in the loss of a functional protein. This variant has not been reported in large, multi-ethnic general populations.

Labcorp Genetics (formerly Invitae), Labcorp
Classification: Pathogenic for Spastic paraplegia. Last evaluated: 2022-09-03. Review status: criteria provided, single submitter. Criteria: Invitae Variant Classification Sherloc (09022015). Collection method: clinical testing. Allele origin: germline.
Comment: Algorithms developed to predict the effect of sequence changes on RNA splicing suggest that this variant may create or strengthen a splice site. For these reasons, this variant has been classified as Pathogenic. This variant disrupts a region of the SACS protein in which other variant(s) (p.Arg3903*) have been determined to be pathogenic (PMID: 19892370, 21745802). This suggests that this is a clinically significant region of the protein, and that variants that disrupt it are likely to be disease-causing. ClinVar contains an entry for this variant (Variation ID: 641094). This premature translational stop signal has been observed in individual(s) with clinical features of SACS-related conditions (Invitae). This variant is not present in population databases (gnomAD no frequency). This sequence change creates a premature translational stop signal (p.Lys905*) in the SACS gene. While this is not anticipated to result in nonsense mediated decay, it is expected to disrupt the last 3675 amino acid(s) of the SACS protein.

Literature cited by the submitters: PubMed 19892370 (cited by Labcorp Genetics (formerly Invitae), Labcorp); PubMed 21745802 (cited by Labcorp Genetics (formerly Invitae), Labcorp).